The following is an entry in ClinVar:

NM_004715.5(CTDP1):c.536G>A (p.Arg179Gln)

Gene: CTDP1 (CTD phosphatase subunit 1; plus strand). Cytogenetic location: 18q23.
Variant type: single nucleotide variant.
Coding change: c.536G>A on transcript NM_004715.5 (MANE Select); coding-DNA position 536, G replaced by A.
Protein change: p.Arg179Gln; replaces arginine 179 with glutamine.
Molecular consequence: missense variant.
Genome position (GRCh38, 1-based): chr18:79,697,903, G>A. VCF-style: chr18-79697903-G-A. GRCh37 (hg19) VCF-style: chr18-77457903-G-A.
Other names: c.179G>A, p.Arg60Gln (NM_001202504.1); c.536G>A, p.Arg179Gln (NM_001318511.2, NM_048368.4); short protein forms R60Q, R179Q.
Identifiers: ClinVar variation 2187369 (VCV002187369.3), dbSNP rs138457062, ClinGen allele CA9010008.

ClinVar aggregate classification (germline): Uncertain significance. Review status: criteria provided, multiple submitters, no conflicts (2 of 4 stars). 2 submissions from 2 submitters: Uncertain significance (2). Last evaluated 2024-01-24.

Allele frequency attached by ClinVar (database versions not stated): ExAC 0.00007; gnomAD 0.00007; TOPMed 0.00012; ESP Exome Variant Server 0.00015; 1000 Genomes Project 30x 0.00016; gnomAD exomes 0.00016; 1000 Genomes Project 0.00020.
gnomAD v4.1: 237 of 1,614,226 alleles (0.015%); highest among the groups gnomAD compares: East Asian, 0.28%; no homozygotes.

Submissions (2):

Labcorp Genetics (formerly Invitae), Labcorp
Classification: Uncertain significance. Last evaluated: 2024-01-24. Review status: criteria provided, single submitter. Criteria: Invitae Variant Classification Sherloc (09022015). Collection method: clinical testing. Allele origin: germline.
Comment: This sequence change replaces arginine, which is basic and polar, with glutamine, which is neutral and polar, at codon 179 of the CTDP1 protein (p.Arg179Gln). This variant is present in population databases (rs138457062, gnomAD 0.02%). This variant has not been reported in the literature in individuals affected with CTDP1-related conditions. ClinVar contains an entry for this variant (Variation ID: 2187369). An algorithm developed to predict the effect of missense changes on protein structure and function (PolyPhen-2) suggests that this variant is likely to be disruptive. In summary, the available evidence is currently insufficient to determine the role of this variant in disease. Therefore, it has been classified as a Variant of Uncertain Significance.

Ambry Genetics
Classification: Uncertain significance. Last evaluated: 2023-12-21. Review status: criteria provided, single submitter. Criteria: Ambry Variant Classification Scheme 2023. Collection method: clinical testing. Allele origin: germline.